The following is an entry in ClinVar:

NM_000384.3(APOB):c.805C>A (p.Pro269Thr)

Gene: APOB (apolipoprotein B; minus strand). Cytogenetic location: 2p24.1.
Variant type: single nucleotide variant.
Coding change: c.805C>A on transcript NM_000384.3 (MANE Select); coding-DNA position 805, C replaced by A.
Protein change: p.Pro269Thr; replaces proline 269 with threonine.
Molecular consequence: missense variant.
Genome position (GRCh38, 1-based): chr2:21,035,597, G>T on the plus strand (C>A on the coding strand, the complement: APOB is on the minus strand). VCF-style: chr2-21035597-G-T. GRCh37 (hg19) VCF-style: chr2-21258469-G-T.
Other names: short protein forms P269T.
Identifiers: ClinVar variation 5017700 (VCV005017700.1).

ClinVar aggregate classification (germline): Uncertain significance (1 of 4 stars; one submission).

Submission:

GeneDx
Classification: Uncertain significance. Last evaluated: 2026-04-01. Review status: criteria provided, single submitter. Criteria: GeneDx Variant Classification Process June 2021. Collection method: clinical testing. Allele origin: germline.
Comment: Not observed at significant frequency in large population cohorts (gnomAD); In silico analysis supports that this missense variant has a deleterious effect on protein structure/function; Has not been previously published as pathogenic or benign to our knowledge